The following is an entry in ClinVar:

ClinVar aggregate classification (germline): Uncertain significance. Review status: criteria provided, multiple submitters, no conflicts (2 of 4 stars). 3 submissions from 3 submitters: Uncertain significance (2). 1 of the submissions does not count toward it. Last evaluated 2025-07-14.

Conditions:
Zellweger spectrum disorders (ZS). Also called: Zellweger Spectrum Disorder (ZSD); Zellweger Spectrum Disorder; Zellweger Spectrum; Zellweger syndrome. Identifiers: Orphanet 912, MedGen C0043459, MONDO:0019609.
Peroxisome biogenesis disorder. Identifiers: Orphanet 79189, MedGen C1832200, MONDO:0019234. Disease mechanism: loss of function.

Allele frequency attached by ClinVar (database versions not stated): gnomAD 0.00001; gnomAD exomes 0.00001 and 0.00004; ExAC 0.00003.

Submissions (3):

Labcorp Genetics (formerly Invitae), Labcorp
Classification: Uncertain significance for Peroxisome biogenesis disorder. Last evaluated: 2025-07-14. Review status: criteria provided, single submitter. Criteria: Invitae Variant Classification Sherloc (09022015). Collection method: clinical testing. Allele origin: germline.
Comment: This sequence change replaces arginine, which is basic and polar, with glutamine, which is neutral and polar, at codon 814 of the PEX6 protein (p.Arg814Gln). This variant is present in population databases (rs757780839, gnomAD 0.01%). This variant has not been reported in the literature in individuals affected with PEX6-related conditions. ClinVar contains an entry for this variant (Variation ID: 1024206). Invitae Evidence Modeling of protein sequence and biophysical properties (such as structural, functional, and spatial information, amino acid conservation, physicochemical variation, residue mobility, and thermodynamic stability) indicates that this missense variant is not expected to disrupt PEX6 protein function with a negative predictive value of 95%. In summary, the available evidence is currently insufficient to determine the role of this variant in disease. Therefore, it has been classified as a Variant of Uncertain Significance.

Blueprint Genetics
Classification: Uncertain significance. Last evaluated: 2019-11-21. Review status: criteria provided, single submitter. Criteria: ACMG Guidelines, 2015. Collection method: clinical testing. Allele origin: germline.

Natera, Inc.
Classification: Uncertain significance for Zellweger syndrome. Last evaluated: 2020-11-10. Review status: no assertion criteria provided. Collection method: clinical testing. Allele origin: germline. Not counted in ClinVar's aggregate classification.

NM_000287.4(PEX6):c.2441G>A (p.Arg814Gln)

Gene: PEX6 (peroxisomal biogenesis factor 6; minus strand). Cytogenetic location: 6p21.1.
Variant type: single nucleotide variant.
Coding change: c.2441G>A on transcript NM_000287.4 (MANE Select); coding-DNA position 2441, G replaced by A.
Protein change: p.Arg814Gln; replaces arginine 814 with glutamine.
Molecular consequence: missense variant. On other transcripts: non-coding transcript variant (1).
Genome position (GRCh38, 1-based): chr6:42,965,711, C>T on the plus strand (G>A on the coding strand, the complement: PEX6 is on the minus strand). VCF-style: chr6-42965711-C-T. GRCh37 (hg19) VCF-style: chr6-42933449-C-T.
Other names: c.2177G>A, p.Arg726Gln (NM_001316313.2); short protein forms R726Q, R814Q.
Identifiers: ClinVar variation 1024206 (VCV001024206.9), dbSNP rs757780839, ClinGen allele CA3811015.